The following is an entry in ClinVar:

ClinVar aggregate classification (germline): Conflicting classifications of pathogenicity. Review status: criteria provided, conflicting classifications (1 of 4 stars). 9 submissions from 9 submitters: Uncertain significance (7); Likely benign (2). Last evaluated 2025-06-11.

Conditions:
Inborn genetic diseases. Identifiers: MedGen C0950123, MeSH D030342.
Oculotrichoanal syndrome (MOTA). Also called: MARLES SYNDROME; Manitoba Oculotrichoanal (MOTA) Syndrome. Identifiers: Orphanet 2717, MedGen C1855425, MONDO:0009560, OMIM 248450.
Trigonocephaly 2 (TRIGNO2). Identifiers: Orphanet 3366, MedGen C3280974, MONDO:0013774, OMIM 614485.
BNAR syndrome. Also called: Bifid Nose With or Without Anorectal and Renal Anomalies (BNAR) Syndrome. Identifiers: Orphanet 217266, MedGen C2750433, MONDO:0012165, OMIM 608980.

Allele frequency attached by ClinVar (database versions not stated): gnomAD exomes 0.00022 and 0.00032; gnomAD 0.00024 and 0.00025; ExAC 0.00027; TOPMed 0.00036; ESP Exome Variant Server 0.00050.
gnomAD v4.1: 403 of 1,613,756 alleles (0.025%); highest among the groups gnomAD compares: Middle Eastern, 1.1%; 1 homozygote.

Submissions (9):

Labcorp Genetics (formerly Invitae), Labcorp
Classification: Likely benign. Last evaluated: 2025-06-11. Review status: criteria provided, single submitter. Criteria: Invitae Variant Classification Sherloc (09022015). Collection method: clinical testing. Allele origin: germline.

Ambry Genetics
Classification: Uncertain significance for Inborn genetic diseases. Last evaluated: 2024-10-23. Review status: criteria provided, single submitter. Criteria: Ambry Variant Classification Scheme 2023. Collection method: clinical testing. Allele origin: germline.

Blueprint Genetics
Classification: Uncertain significance. Last evaluated: 2024-10-23. Review status: criteria provided, single submitter. Criteria: ACMG Guidelines, 2015. Collection method: clinical testing. Allele origin: germline.

CeGaT Center for Human Genetics Tuebingen
Classification: Likely benign. Last evaluated: 2023-10-01. Review status: criteria provided, single submitter. Criteria: CeGaT Center For Human Genetics Tuebingen Variant Classification Criteria Version 2. Collection method: clinical testing. Allele origin: germline. Affected: yes. Observed: 1 variant allele.
Comment: FREM1: BP4

Fulgent Genetics
Classification: Uncertain significance for Oculotrichoanal syndrome; BNAR syndrome; Trigonocephaly 2. Last evaluated: 2021-12-27. Review status: criteria provided, single submitter. Criteria: ACMG Guidelines, 2015. Collection method: clinical testing. Allele origin: unknown.

Baylor Genetics
Classification: Uncertain significance for Trigonocephaly 2. Last evaluated: 2019-11-26. Review status: criteria provided, single submitter. Criteria: ACMG Guidelines, 2015. Collection method: clinical testing. Allele origin: unknown. Affected: yes.
Comment: This variant was determined to be of uncertain significance according to ACMG Guidelines, 2015 [PMID:25741868].

Illumina Laboratory Services, Illumina
Classification: Uncertain significance for Oculotrichoanal syndrome. Last evaluated: 2018-01-13. Review status: criteria provided, single submitter. Criteria: ICSL Variant Classification Criteria 13 December 2019. Collection method: clinical testing. Allele origin: germline.

Genomic Diagnostic Laboratory, Division of Genomic Diagnostics, Children's Hospital of Philadelphia
Classification: Uncertain significance. Last evaluated: 2014-12-31. Review status: criteria provided, single submitter. Criteria: DGD Variant Analysis Guidelines. Collection method: clinical testing. Allele origin: unknown.

Breakthrough Genomics
Classification: Uncertain significance. Review status: criteria provided, single submitter. Criteria: ACMG Guidelines, 2015. Collection method: not provided. Allele origin: germline. Inheritance: Autosomal recessive inheritance. Affected: yes.

NM_001379081.2(FREM1):c.4412G>A (p.Ser1471Asn)

Gene: FREM1 (FRAS1 related extracellular matrix 1; minus strand). Cytogenetic location: 9p22.3.
Variant type: single nucleotide variant.
Coding change: c.4412G>A on transcript NM_001379081.2 (MANE Select); coding-DNA position 4412, G replaced by A.
Protein change: p.Ser1471Asn; replaces serine 1471 with asparagine.
Molecular consequence: missense variant. On other transcripts: non-coding transcript variant (1).
Genome position (GRCh38, 1-based): chr9:14,784,400, C>T on the plus strand (G>A on the coding strand, the complement: FREM1 is on the minus strand). VCF-style: chr9-14784400-C-T. GRCh37 (hg19) VCF-style: chr9-14784398-C-T.
Other names: c.4412G>A, p.Ser1471Asn (NM_144966.7); short protein forms S1471N.
Identifiers: ClinVar variation 218843 (VCV000218843.39), dbSNP rs200650442, ClinGen allele CA249047.